The following is an entry in ClinVar:

ClinVar aggregate classification (germline): Uncertain significance (1 of 4 stars; one submission).

Submission:

Labcorp Genetics (formerly Invitae), Labcorp
Classification: Uncertain significance. Last evaluated: 2023-07-25. Review status: criteria provided, single submitter. Criteria: Invitae Variant Classification Sherloc (09022015). Collection method: clinical testing. Allele origin: germline.
Comment: In summary, the available evidence is currently insufficient to determine the role of this variant in disease. Therefore, it has been classified as a Variant of Uncertain Significance. Advanced modeling of protein sequence and biophysical properties (such as structural, functional, and spatial information, amino acid conservation, physicochemical variation, residue mobility, and thermodynamic stability) performed at Invitae indicates that this missense variant is not expected to disrupt MID1 protein function. This variant has not been reported in the literature in individuals affected with MID1-related conditions. This variant is not present in population databases (gnomAD no frequency). This sequence change replaces threonine, which is neutral and polar, with isoleucine, which is neutral and non-polar, at codon 518 of the MID1 protein (p.Thr518Ile).

NM_000381.4(MID1):c.1553C>T (p.Thr518Ile)

Gene: MID1 (midline 1; minus strand). Cytogenetic location: Xp22.2.
Variant type: single nucleotide variant.
Coding change: c.1553C>T on transcript NM_000381.4 (MANE Select); coding-DNA position 1553, C replaced by T.
Protein change: p.Thr518Ile; replaces threonine 518 with isoleucine.
Molecular consequence: missense variant.
Genome position (GRCh38, 1-based): chrX:10,454,972, G>A on the plus strand (C>T on the coding strand, the complement: MID1 is on the minus strand). VCF-style: chrX-10454972-G-A. GRCh37 (hg19) VCF-style: chrX-10423012-G-A.
Other names: c.1553C>T, p.Thr518Ile (NM_001098624.2, NM_001193277.1, NM_001347733.2 and 1 more transcripts); c.1439C>T, p.Thr480Ile (NM_033289.2); short protein forms T480I, T518I.
Identifiers: ClinVar variation 2746905 (VCV002746905.3), dbSNP rs2518969031, ClinGen allele CA412050795.